The following is an entry in ClinVar:

ClinVar aggregate classification (germline): Conflicting classifications of pathogenicity. Review status: criteria provided, conflicting classifications (1 of 4 stars). 4 submissions from 4 submitters: Uncertain significance (3); Likely benign (1). Last evaluated 2025-12-01.

Conditions:
Hypertrophic cardiomyopathy 26. Also called: Cardiomyopathy, familial hypertrophic, 26. Identifiers: Orphanet 75249, MedGen C4310749, MONDO:0014883, OMIM 617047.
Myofibrillar myopathy 5. Also called: Filaminopathy (type); FILAMINOPATHY, AUTOSOMAL DOMINANT. Identifiers: Orphanet 171445, MedGen C1836050, MONDO:0012289, OMIM 609524.
Distal myopathy with posterior leg and anterior hand involvement. Also called: WILLIAMS DISTAL MYOPATHY. Identifiers: Orphanet 63273, MedGen C3279722, MONDO:0013550, OMIM 614065.
Cardiovascular phenotype. Identifiers: MedGen CN230736.

Allele frequency attached by ClinVar (database versions not stated): gnomAD 0.00001; gnomAD exomes 0.00001; TOPMed 0.00001.
gnomAD v4.1: 21 of 1,613,122 alleles (0.0013%); highest among the groups gnomAD compares: East Asian, 0.02%; no homozygotes.

Submissions (4):

Labcorp Genetics (formerly Invitae), Labcorp
Classification: Likely benign for Distal myopathy with posterior leg and anterior hand involvement; Myofibrillar myopathy 5; Hypertrophic cardiomyopathy 26. Last evaluated: 2025-12-01. Review status: criteria provided, single submitter. Criteria: Invitae Variant Classification Sherloc (09022015). Collection method: clinical testing. Allele origin: germline.

CeGaT Center for Human Genetics Tuebingen
Classification: Uncertain significance. Last evaluated: 2024-08-01. Review status: criteria provided, single submitter. Criteria: CeGaT Center For Human Genetics Tuebingen Variant Classification Criteria Version 2. Collection method: clinical testing. Allele origin: germline. Affected: yes. Observed: 1 variant allele.
Comment: FLNC: PM2, PP3

Ambry Genetics
Classification: Uncertain significance for Cardiovascular phenotype. Last evaluated: 2023-12-15. Review status: criteria provided, single submitter. Criteria: Ambry Variant Classification Scheme 2023. Collection method: clinical testing. Allele origin: germline.
Comment: The p.T2191M variant (also known as c.6572C>T), located in coding exon 40 of the FLNC gene, results from a C to T substitution at nucleotide position 6572. The threonine at codon 2191 is replaced by methionine, an amino acid with similar properties. This amino acid position is conserved. In addition, this alteration is predicted to be deleterious by in silico analysis. Since supporting evidence is limited at this time, the clinical significance of this alteration remains unclear.

GeneDx
Classification: Uncertain significance. Last evaluated: 2018-07-10. Review status: criteria provided, single submitter. Criteria: GeneDx Variant Classification (06012015). Collection method: clinical testing. Allele origin: germline. Affected: yes.
Comment: The T2191M variant in the FLNC gene has not been reported previously as a pathogenic variant, nor as a benign variant, to our knowledge. The T2191M variant is not observed at a significant frequency in large population cohorts (Lek et al., 2016; 1000 Genomes Consortium et al., 2015; Exome Variant Server). The T2191M variant is a non-conservative amino acid substitution, which is likely to impact secondary protein structure as these residues differ in polarity, charge, size and/or other properties. This substitution occurs at a position that is conserved across species. However, in silico analysis is inconsistent in its predictions as to whether or not the variant is damaging to the protein structure/function. We interpret T2191M as a variant of uncertain significance.

NM_001458.5(FLNC):c.6572C>T (p.Thr2191Met)

Genes: FLNC (filamin C; plus strand), FLNC-AS1 (FLNC antisense RNA 1; minus strand). Cytogenetic location: 7q32.1.
Variant type: single nucleotide variant.
Coding change: c.6572C>T on transcript NM_001458.5 (MANE Select); coding-DNA position 6572, C replaced by T.
Protein change: p.Thr2191Met; replaces threonine 2191 with methionine.
Molecular consequence: missense variant.
Genome position (GRCh38, 1-based): chr7:128,854,061, C>T. VCF-style: chr7-128854061-C-T. GRCh37 (hg19) VCF-style: chr7-128494115-C-T.
Other names: c.6473C>T, p.Thr2158Met (NM_001127487.2); short protein forms T2191M, T2158M.
Identifiers: ClinVar variation 423849 (VCV000423849.27), dbSNP rs768329311, ClinGen allele CA4476019.